The following is an entry in ClinVar:

NM_015338.6(ASXL1):c.4034T>C (p.Met1345Thr)

Gene: ASXL1 (ASXL transcriptional regulator 1; plus strand). Cytogenetic location: 20q11.21.
Variant type: single nucleotide variant.
Coding change: c.4034T>C on transcript NM_015338.6 (MANE Select); coding-DNA position 4034, T replaced by C.
Protein change: p.Met1345Thr; replaces methionine 1345 with threonine.
Molecular consequence: missense variant.
Genome position (GRCh38, 1-based): chr20:32,436,746, T>C. VCF-style: chr20-32436746-T-C. GRCh37 (hg19) VCF-style: chr20-31024549-T-C.
Other names: c.3851T>C, p.Met1284Thr (NM_001363734.1); short protein forms M1284T, M1345T.
Identifiers: ClinVar variation 3957569 (VCV003957569.1).
Genomic context (GRCh38, chr20:32,436,746, plus strand): 5'-TTCCTGCTGAGATCCCTCCAGTTTTTCCCAGTGGGAAGTTGGGACCAAGCACAAACTCCA[T>C]GTCTGGTGGGGTACAGACTCCAAGGGAAGACTGGGCTCCAAAGCCACATGCCTTTGTTGG-3'
Protein context (NP_056153.2, residues 1335-1355): SGKLGPSTNS[Met1345Thr]SGGVQTPRED

ClinVar aggregate classification (germline): Uncertain significance (1 of 4 stars; one submission).

Conditions:
Inborn genetic diseases. Identifiers: MedGen C0950123, MeSH D030342.

Submission:

Ambry Genetics
Classification: Uncertain significance for Inborn genetic diseases. Last evaluated: 2025-06-02. Review status: criteria provided, single submitter. Criteria: Ambry Variant Classification Scheme 2023. Collection method: clinical testing. Allele origin: germline.
Comment: The p.M1345T variant (also known as c.4034T>C), located in coding exon 13 of the ASXL1 gene, results from a T to C substitution at nucleotide position 4034. The methionine at codon 1345 is replaced by threonine, an amino acid with similar properties. This amino acid position is conserved. In addition, this alteration is predicted to be tolerated by in silico analysis. Based on the available evidence, the clinical significance of this variant remains unclear.